The following is an entry in ClinVar:

NM_020693.4(DSCAML1):c.823C>T (p.Arg275Cys)

Gene: DSCAML1 (DS cell adhesion molecule like 1; minus strand). Cytogenetic location: 11q23.3.
Variant type: single nucleotide variant.
Coding change: c.823C>T on transcript NM_020693.4 (MANE Select); coding-DNA position 823, C replaced by T.
Protein change: p.Arg275Cys; replaces arginine 275 with cysteine.
Molecular consequence: missense variant.
Genome position (GRCh38, 1-based): chr11:117,524,919, G>A on the plus strand (C>T on the coding strand, the complement: DSCAML1 is on the minus strand). VCF-style: chr11-117524919-G-A. GRCh37 (hg19) VCF-style: chr11-117395634-G-A.
Other names: c.823C>T, p.Arg275Cys (NM_001367904.1); c.415C>T, p.Arg139Cys (NM_001367905.1); short protein forms R275C, R139C.
Identifiers: ClinVar variation 2187170 (VCV002187170.4), dbSNP rs144255310, ClinGen allele CA229378519.
Genomic context (GRCh38, chr11:117,524,919, plus strand): 5'-CACAAATGTAGGTGCCGCTGTCCTCGGTCCGCAAGTCGCTGATGGTCAGCCCTGTGATGC[G>A]CTTGGTCCAGCGGCTGTCAGCCGGGAGGGGCCGGCCATCCTTGAGCCAGCGGATGGCGGG-3'
Protein context (NP_065744.3, residues 265-285): PLPADSRWTK[Arg275Cys]ITGLTISDLR

ClinVar aggregate classification (germline): Uncertain significance (1 of 4 stars; one submission).

Allele frequency attached by ClinVar (database versions not stated): TOPMed 0.00002; ESP Exome Variant Server 0.00008.
gnomAD v4.1: 5 of 1,613,474 alleles (0.00031%); highest among the groups gnomAD compares: Non-Finnish European, 0.00034%; no homozygotes.

Submission:

Labcorp Genetics (formerly Invitae), Labcorp
Classification: Uncertain significance. Last evaluated: 2025-11-23. Review status: criteria provided, single submitter. Criteria: Invitae Variant Classification Sherloc (09022015). Collection method: clinical testing. Allele origin: germline.
Comment: This sequence change replaces arginine, which is basic and polar, with cysteine, which is neutral and slightly polar, at codon 335 of the DSCAML1 protein (p.Arg335Cys). This variant is not present in population databases (gnomAD no frequency). This variant has not been reported in the literature in individuals affected with DSCAML1-related conditions. ClinVar contains an entry for this variant (Variation ID: 2187170). An algorithm developed to predict the effect of missense changes on protein structure and function (PolyPhen-2) suggests that this variant is likely to be disruptive. In summary, the available evidence is currently insufficient to determine the role of this variant in disease. Therefore, it has been classified as a Variant of Uncertain Significance.